The following is an entry in ClinVar:

ClinVar aggregate classification (germline): Benign. Review status: no assertion criteria provided (0 of 4 stars). 2 submissions from 1 submitter: Benign (1). 1 of the submissions does not count toward it. Last evaluated 2017-09-01.

Submissions (2):

ISCA site 4
Classification: Benign. Last evaluated: 2017-09-01. Review status: no assertion criteria provided. Collection method: clinical testing. Allele origin: unknown. Affected: yes. Observed: 12 variant alleles. Clinical features observed: Autism (HP:0000717), Abnormal facial shape (HP:0001999), Delayed speech and language development (HP:0002117), Global developmental delay (HP:0001263), Blepharophimosis (HP:0000581), Specific learning disability (HP:0001328), Tapered fingers (HP:0001182), Cleft palate (HP:0000175), Developmental delay AND/OR other significant developmental or morphological phenotypes.

ISCA site 4
Classification: Benign. Last evaluated: 2017-09-01. Review status: flagged submission. Criteria: Kaminsky et al. (Genet Med. 2011). Collection method: clinical testing. Allele origin: unknown. Affected: yes. Observed: 2 variant alleles. Not counted in ClinVar's aggregate classification.
Comment: Copy number variation identified through the course of routine clinical cytogenomic testing in postnatal populations. Clinical assertions have been curated as described in Kaminsky et al. 2011.
ClinVar note: Reason: This record appears to be redundant with a more recent record from the same submitter.
ClinVar note: Notes: SCV000077569 appears to be redundant with SCV000172967.

GRCh38/hg38 17q21.31(chr17:46111075-46661960)x1

Genes: ARL17A (ARF like GTPase 17A; minus strand), ARL17B (ARF like GTPase 17B; minus strand), FAM215B (family with sequence similarity 215 member B; minus strand), KANSL1 (KAT8 regulatory NSL complex subunit 1), KANSL1-AS1 (KANSL1 antisense RNA 1) and 6 more. Cytogenetic location: 17q21.31.
Variant type: copy number loss.
Change: copy number 1 (one copy instead of two) of chr17:46,111,075-46,661,960 (550.9 kb, GRCh38 coordinates, 1-based), cytogenetic band 17q21.31.
Identifiers: ClinVar variation 32948 (VCV000032948.4).